The following is an entry in ClinVar:

ClinVar aggregate classification (germline): Likely benign. Review status: criteria provided, multiple submitters, no conflicts (2 of 4 stars). 2 submissions from 2 submitters: Likely benign (2). Last evaluated 2025-12-18.

Allele frequency attached by ClinVar (database versions not stated): gnomAD 0.00001; TOPMed 0.00001; ExAC 0.00002; gnomAD exomes 0.00002 and 0.00003.
gnomAD v4.1: 31 of 1,613,554 alleles (0.0019%); highest among the groups gnomAD compares: Middle Eastern, 0.016%; no homozygotes.

Submissions (2):

Labcorp Genetics (formerly Invitae), Labcorp
Classification: Likely benign. Last evaluated: 2025-12-18. Review status: criteria provided, single submitter. Criteria: Invitae Variant Classification Sherloc (09022015). Collection method: clinical testing. Allele origin: germline.

GeneDx
Classification: Likely benign. Last evaluated: 2017-09-13. Review status: criteria provided, single submitter. Criteria: GeneDx Variant Classification (06012015). Collection method: clinical testing. Allele origin: germline. Affected: yes.
Comment: This variant is considered likely benign or benign based on one or more of the following criteria: it is a conservative change, it occurs at a poorly conserved position in the protein, it is predicted to be benign by multiple in silico algorithms, and/or has population frequency not consistent with disease.

NM_201525.4(ADGRG1):c.15G>A (p.Ser5=)

Gene: ADGRG1 (adhesion G protein-coupled receptor G1; plus strand). Cytogenetic location: 16q21.
Variant type: single nucleotide variant.
Coding change: c.15G>A on transcript NM_201525.4 (MANE Select); coding-DNA position 15, G replaced by A.
Protein change: p.Ser5=; no amino-acid change (serine 5 retained).
Molecular consequence: synonymous variant. On other transcripts: 5 prime UTR variant (4), intron variant (1).
Genome position (GRCh38, 1-based): chr16:57,650,302, G>A. VCF-style: chr16-57650302-G-A. GRCh37 (hg19) VCF-style: chr16-57684214-G-A.
Other names: c.15G>A, p.Ser5= (NM_001145770.3, NM_001145771.3, NM_001145772.3 and 20 more transcripts); c.-468G>A (NM_001290143.2, NM_001290144.2, NM_001370451.1); c.-552G>A (NM_001370453.1); c.-414-945G>A (NM_001370454.1).
Identifiers: ClinVar variation 511938 (VCV000511938.11), dbSNP rs766135099, ClinGen allele CA8078252.